The following is an entry in ClinVar:

NM_001136193.2(FASTKD2):c.197A>G (p.Asn66Ser)

Gene: FASTKD2 (FAST kinase domains 2; plus strand). Cytogenetic location: 2q33.3.
Variant type: single nucleotide variant.
Coding change: c.197A>G on transcript NM_001136193.2 (MANE Select); coding-DNA position 197, A replaced by G.
Protein change: p.Asn66Ser; replaces asparagine 66 with serine.
Molecular consequence: missense variant.
Genome position (GRCh38, 1-based): chr2:206,766,890, A>G. VCF-style: chr2-206766890-A-G. GRCh37 (hg19) VCF-style: chr2-207631614-A-G.
Other names: c.197A>G, p.Asn66Ser (NM_001136194.2, NM_014929.4); short protein forms N66S.
Identifiers: ClinVar variation 2058541 (VCV002058541.5), dbSNP rs755873619, ClinGen allele CA2074841.

ClinVar aggregate classification (germline): Uncertain significance. Review status: criteria provided, multiple submitters, no conflicts (2 of 4 stars). 2 submissions from 2 submitters: Uncertain significance (2). Last evaluated 2022-07-11.

Conditions:
Combined oxidative phosphorylation deficiency 44. Also called: FASTKD2-Related Combined Oxidative Phosphorylation Deficiency. Identifiers: MedGen C5394293, MONDO:0030020, OMIM 618855.

Allele frequency attached by ClinVar (database versions not stated): gnomAD exomes below 0.00001; gnomAD 0.00001; ExAC 0.00003; TOPMed 0.00003.
gnomAD v4.1: 3 of 1,599,048 alleles (0.00019%); highest among the groups gnomAD compares: Admixed American, 0.0035%; no homozygotes.

Submissions (2):

Labcorp Genetics (formerly Invitae), Labcorp
Classification: Uncertain significance. Last evaluated: 2022-07-11. Review status: criteria provided, single submitter. Criteria: Invitae Variant Classification Sherloc (09022015). Collection method: clinical testing. Allele origin: germline.
Comment: In summary, the available evidence is currently insufficient to determine the role of this variant in disease. Therefore, it has been classified as a Variant of Uncertain Significance. Algorithms developed to predict the effect of missense changes on protein structure and function output the following: SIFT: "Tolerated"; PolyPhen-2: "Benign"; Align-GVGD: "Class C0". The serine amino acid residue is found in multiple mammalian species, which suggests that this missense change does not adversely affect protein function. This variant has not been reported in the literature in individuals affected with FASTKD2-related conditions. This variant is present in population databases (rs755873619, gnomAD 0.01%). This sequence change replaces asparagine, which is neutral and polar, with serine, which is neutral and polar, at codon 66 of the FASTKD2 protein (p.Asn66Ser).

Department of Pathology and Laboratory Medicine, Sinai Health System
Classification: Uncertain significance for Combined oxidative phosphorylation deficiency 44. Last evaluated: 2022-02-09. Review status: criteria provided, single submitter. Criteria: ACMG Guidelines, 2015. Collection method: research. Allele origin: germline.